The following is an entry in ClinVar:

ClinVar aggregate classification (germline): other (0 of 4 stars; one submission).

Conditions:
Familial colorectal cancer. Identifiers: MedGen CN280943, MONDO:0023113. Disease mechanism: loss of function.

Submission:

Systems Biology Platform Zhejiang California International NanoSystems Institute
Classification: other for Familial colorectal cancer. Review status: no assertion criteria provided. Collection method: not provided. Allele origin: unknown.
ClinVar note: Converted during submission from cancer to other.

NM_000038.6(APC):c.-19+7793C>G

Gene: APC (APC regulator of WNT signaling pathway; plus strand). Cytogenetic location: 5q22.2.
Variant type: single nucleotide variant.
Coding change: c.-19+7793C>G on transcript NM_000038.6 (MANE Select); 7793 bases into the intron after 19 bases upstream of the start codon, C replaced by G.
Molecular consequence: intron variant.
Genome position (GRCh38, 1-based): chr5:112,745,718, C>G. VCF-style: chr5-112745718-C-G. GRCh37 (hg19) VCF-style: chr5-112081415-C-G.
Other names: c.-18-9155C>G (NM_001354895.2); c.166-20608C>G (NM_001354897.2, NM_001354902.2, NM_001127511.3); c.-19+7258C>G (NM_001127510.3); c.60+7258C>G (NM_001354898.2, NM_001354904.2); c.-1054+7793C>G (NM_001354906.2); c.-19+7793C>G (NM_001354896.2, NM_001354903.2, NM_001354899.2); c.-43+7793C>G (NM_001354900.2, NM_001354901.2, NM_001354905.2).
Identifiers: ClinVar variation 82775 (VCV000082775.2), dbSNP rs78123091, ClinGen allele CA007038.
Genomic context (GRCh38, chr5:112,745,718, plus strand): 5'-CGATTCTCCTGTCTTAGCGACCCCCCCACCCCACACCATAGCTGGGACTACAGGCGGGTG[C>G]CACCACGCCCAGCTAATTTTTGTATTGTTAGTAGAGACAGGATTTCACCATGTTGGCCAG-3'